The following is an entry in ClinVar:

NM_016111.4(TELO2):c.950G>A (p.Ser317Asn)

Gene: TELO2 (telomere maintenance 2; plus strand). Cytogenetic location: 16p13.3.
Variant type: single nucleotide variant.
Coding change: c.950G>A on transcript NM_016111.4 (MANE Select); coding-DNA position 950, G replaced by A.
Protein change: p.Ser317Asn; replaces serine 317 with asparagine.
Molecular consequence: missense variant.
Genome position (GRCh38, 1-based): chr16:1,500,112, G>A. VCF-style: chr16-1500112-G-A. GRCh37 (hg19) VCF-style: chr16-1550113-G-A.
Other names: c.950G>A, p.Ser317Asn (NM_001351846.2); short protein forms S317N.
Identifiers: ClinVar variation 786428 (VCV000786428.33), dbSNP rs118041797, ClinGen allele CA7811869.
Genomic context (GRCh38, chr16:1,500,112, plus strand): 5'-GCGGCGGCCTCAGCCCAGTGGACAGGCATGTGCTTTTATTGCAGACGCCCATGCTGCAGA[G>A]CCTGCTGGGCCATCTGGCCATGGACAGCCAGCGGCGCCCGCTCCTGCTGCAGGTACGTGC-3'
Protein context (NP_057195.2, residues 307-327): QSRLTTPMLQ[Ser317Asn]LLGHLAMDSQ

ClinVar aggregate classification (germline): Benign. Review status: criteria provided, multiple submitters, no conflicts (2 of 4 stars). 3 submissions from 3 submitters: Benign (3). Last evaluated 2026-09-01.

Allele frequency attached by ClinVar (database versions not stated): 1000 Genomes Project 30x 0.00406; 1000 Genomes Project 0.00419; gnomAD 0.00701 and 0.00707; TOPMed 0.00736; ESP Exome Variant Server 0.00832; gnomAD exomes 0.00862 and 0.01052; ExAC 0.00971.
gnomAD v4.1: 16,424 of 1,608,938 alleles (1%); highest among the groups gnomAD compares: South Asian, 1.3%; 107 homozygotes.

Submissions (3):

CeGaT Center for Human Genetics Tuebingen
Classification: Benign. Last evaluated: 2026-09-01. Review status: criteria provided, single submitter. Criteria: CeGaT Center For Human Genetics Tuebingen Variant Classification Criteria Version 2. Collection method: clinical testing. Allele origin: germline. Affected: yes. Observed: 26 variant alleles.
Comment: TELO2: BP4, BS1, BS2

Labcorp Genetics (formerly Invitae), Labcorp
Classification: Benign. Last evaluated: 2026-02-03. Review status: criteria provided, single submitter. Criteria: Invitae Variant Classification Sherloc (09022015). Collection method: clinical testing. Allele origin: germline.

Breakthrough Genomics
Classification: Benign. Review status: criteria provided, single submitter. Criteria: ACMG Guidelines, 2015. Collection method: not provided. Allele origin: germline. Inheritance: Autosomal recessive inheritance. Affected: yes.